The following is an entry in ClinVar:

NM_000553.6(WRN):c.3781A>G (p.Ile1261Val)

Gene: WRN (WRN RecQ like helicase; plus strand). Cytogenetic location: 8p12.
Variant type: single nucleotide variant.
Coding change: c.3781A>G on transcript NM_000553.6 (MANE Select); coding-DNA position 3781, A replaced by G.
Protein change: p.Ile1261Val; replaces isoleucine 1261 with valine.
Molecular consequence: missense variant.
Genome position (GRCh38, 1-based): chr8:31,154,717, A>G. VCF-style: chr8-31154717-A-G. GRCh37 (hg19) VCF-style: chr8-31012233-A-G.
Other names: short protein forms I1261V.
Identifiers: ClinVar variation 238162 (VCV000238162.9), dbSNP rs201661079, ClinGen allele CA4705175.

ClinVar aggregate classification (germline): Uncertain significance. Review status: criteria provided, multiple submitters, no conflicts (2 of 4 stars). 2 submissions from 2 submitters: Uncertain significance (2). Last evaluated 2025-05-28.

Conditions:
Inborn genetic diseases. Identifiers: MedGen C0950123, MeSH D030342.
Werner syndrome (WRN). Identifiers: Orphanet 902, MedGen C0043119, MONDO:0010196, OMIM 277700.

Allele frequency attached by ClinVar (database versions not stated): gnomAD 0.00001; TOPMed 0.00002; 1000 Genomes Project 30x 0.00016; 1000 Genomes Project 0.00020.

Submissions (2):

Labcorp Genetics (formerly Invitae), Labcorp
Classification: Uncertain significance for Werner syndrome. Last evaluated: 2025-05-28. Review status: criteria provided, single submitter. Criteria: Invitae Variant Classification Sherloc (09022015). Collection method: clinical testing. Allele origin: germline.
Comment: This sequence change replaces isoleucine, which is neutral and non-polar, with valine, which is neutral and non-polar, at codon 1261 of the WRN protein (p.Ile1261Val). This variant is present in population databases (rs201661079, gnomAD 0.003%). This variant has not been reported in the literature in individuals affected with WRN-related conditions. ClinVar contains an entry for this variant (Variation ID: 238162). An algorithm developed to predict the effect of missense changes on protein structure and function outputs the following: PolyPhen-2: "Benign". The valine amino acid residue is found in multiple mammalian species, which suggests that this missense change does not adversely affect protein function. In summary, the available evidence is currently insufficient to determine the role of this variant in disease. Therefore, it has been classified as a Variant of Uncertain Significance.

Ambry Genetics
Classification: Uncertain significance for Inborn genetic diseases. Last evaluated: 2023-08-21. Review status: criteria provided, single submitter. Criteria: Ambry Variant Classification Scheme 2023. Collection method: clinical testing. Allele origin: germline.